The following is an entry in ClinVar:

NM_001127222.2(CACNA1A):c.1805T>G (p.Leu602Arg)

Gene: CACNA1A (calcium voltage-gated channel subunit alpha1 A; minus strand). Cytogenetic location: 19p13.13.
Variant type: single nucleotide variant.
Coding change: c.1805T>G on transcript NM_001127222.2 (MANE Select); coding-DNA position 1805, T replaced by G.
Protein change: p.Leu602Arg; replaces leucine 602 with arginine.
Molecular consequence: missense variant.
Genome position (GRCh38, 1-based): chr19:13,308,228, A>C on the plus strand (T>G on the coding strand, the complement: CACNA1A is on the minus strand). VCF-style: chr19-13308228-A-C. GRCh37 (hg19) VCF-style: chr19-13419042-A-C.
Other names: c.1808T>G, p.Leu603Arg (NM_000068.4, NM_001127221.2, NM_001174080.2 and 1 more transcripts); short protein forms L602R, L603R.
Identifiers: ClinVar variation 1809801 (VCV001809801.1), dbSNP rs2057948232, ClinGen allele CA404344947.
Genomic context (GRCh38, chr19:13,308,228, plus strand): 5'-AGGAAAAGGAGAAACAACAGGCTGATGATGGACTTCATGGAGTTGAGGAGAGAGACGACC[A>C]GGTTTCTGAGAGATGCCCAGTACCTGCCGACAGAGGCCAGGCGAGGACTCAGGCCAGGCG-3'
Protein context (NP_001120694.1, residues 592-612): VTKYWASLRN[Leu602Arg]VVSLLNSMKS

ClinVar aggregate classification (germline): Pathogenic (0 of 4 stars; one submission).

Conditions:
Spinocerebellar ataxia type 6 (SCA6). Identifiers: Orphanet 98758, MedGen C0752124, MONDO:0008457, OMIM 183086.

Submission:

Division of Genomics, Kyushu university
Classification: Pathogenic for Spinocerebellar ataxia type 6. Last evaluated: 2022-12-20. Review status: no assertion criteria provided. Collection method: clinical testing. Allele origin: germline. Inheritance: Autosomal dominant inheritance. Affected: yes. Observed: 1 heterozygote.
Comment: CACNA1A is responsible for episodic ataxia (OMIM:601011). This variant was absent in gnomAD. CADD score shows 29.4. These strongly suggest that this variant is pathogenic.